The following is an entry in ClinVar:

ClinVar aggregate classification (germline): Pathogenic. Review status: reviewed by expert panel (3 of 4 stars). 2 submissions from 2 submitters: Pathogenic (1). 1 of the submissions does not count toward it. Last evaluated 2023-12-22.

Conditions:
RPE65-related recessive retinopathy. Also called: Recessive RPE65 retinopathy. Identifiers: MedGen CN305526, MONDO:0100368.
Retinitis pigmentosa 20 (RP20). Identifiers: Orphanet 791, MedGen C3151086, MONDO:0013425, OMIM 613794.
Leber congenital amaurosis 2 (LCA2). Also called: Autosomal Recessive RPE65-Related Retinal Degeneration; AMAUROSIS CONGENITA OF LEBER II. Identifiers: Orphanet 65, MedGen C1859844, MONDO:0008765, OMIM 204100. Disease mechanism: loss of function.

Allele frequency attached by ClinVar (database versions not stated): gnomAD exomes below 0.00001.

Submissions (2):

ClinGen Leber Congenital Amaurosis/early Onset Retinal Dystrophy Variant Curation Expert Panel, ClinGen
Classification: Pathogenic for RPE65-related recessive retinopathy. Last evaluated: 2023-12-22. Review status: reviewed by expert panel. Criteria: ClinGen LCAeoRD ACMG Specifications RPE65 V1.0.0. Collection method: curation. Allele origin: germline. Inheritance: Autosomal recessive inheritance.
Comment: This variant disrupts a canonical splice site in intron 5 and is predicted to lead to skipping of a critical exon in which missense variants have previously been established as a mechanism of disease (PVS1). This variant is absent from gnomAD v2.1.1 (PM2_Supporting). At least one proband harboring this variant exhibits a phenotype including Absent or severely decreased rod electroretinogram (ERG) responses (0.5 pts); Congenital night blindness (0.5 pts); Clinical diagnosis of Leber congenital amaurosis (0.5 pts); Previous exome, genome or 100+ retinal dystrophy gene panel testing that did not provide an alternative explanation for visual impairment (2 pts); decreased central visual acuity (1 pt), nystagmus (1 pt); Symptomatic onset between birth and age five years (1 pt); OCT is preserved with respect to vision loss (1 pt); Pigmentary retinopathy with attenuated vessels (0.5 pts); and Abnormal color vision (1 pt), which together are highly specific for RPE65-related recessive retinopathy (9 points, PP4_Moderate). In summary, this variant meets the criteria to be classified as pathogenic by the ClinGen Leber Congenital Amaurosis / early onset Retinal Dystrophy VCEP; PVS1, PP4_Moderate, PM2_Supporting. (VCEP specifications version 1.0.0; date of approval 09/21/2023).

Labcorp Genetics (formerly Invitae), Labcorp
Classification: Likely pathogenic for Leber congenital amaurosis 2; Retinitis pigmentosa 20. Last evaluated: 2020-08-31. Review status: criteria provided, single submitter. Criteria: Invitae Variant Classification Sherloc (09022015). Collection method: clinical testing. Allele origin: germline. Not counted in ClinVar's aggregate classification.
Comment: This sequence change affects an acceptor splice site in intron 5 of the RPE65 gene. It is expected to disrupt RNA splicing and likely results in an absent or disrupted protein product. This variant is not present in population databases (ExAC no frequency). In summary, the currently available evidence indicates that the variant is pathogenic, but additional data are needed to prove that conclusively. Therefore, this variant has been classified as Likely Pathogenic. Donor and acceptor splice site variants typically lead to a loss of protein function (PMID: 16199547), and loss-of-function variants in RPE65 are known to be pathogenic (PMID: 9326941, 9501220, 9843205, 18632300). Algorithms developed to predict the effect of sequence changes on RNA splicing suggest that this variant may disrupt the consensus splice site, but this prediction has not been confirmed by published transcriptional studies. This variant has not been reported in the literature in individuals with RPE65-related conditions.

Literature cited by the submitters: PubMed 16199547 (cited by Labcorp Genetics (formerly Invitae), Labcorp); PubMed 9326941 (cited by Labcorp Genetics (formerly Invitae), Labcorp); PubMed 9501220 (cited by Labcorp Genetics (formerly Invitae), Labcorp); PubMed 9843205 (cited by Labcorp Genetics (formerly Invitae), Labcorp); PubMed 18632300 (cited by Labcorp Genetics (formerly Invitae), Labcorp).

NM_000329.3(RPE65):c.496-1G>A

Gene: RPE65 (retinoid isomerohydrolase RPE65; minus strand). Cytogenetic location: 1p31.3.
Variant type: single nucleotide variant.
Coding change: c.496-1G>A on transcript NM_000329.3 (MANE Select); the canonical splice acceptor site of the intron before coding-DNA position 496, G replaced by A.
Molecular consequence: splice acceptor variant.
Genome position (GRCh38, 1-based): chr1:68,441,001, C>T on the plus strand (G>A on the coding strand, the complement: RPE65 is on the minus strand). VCF-style: chr1-68441001-C-T. GRCh37 (hg19) VCF-style: chr1-68906684-C-T.
Other names: c.220-1G>A (NM_001406857.1, NM_001406856.1); c.388-1G>A (NM_001406853.1); c.496-1G>A (NM_001406859.1).
Identifiers: ClinVar variation 1067786 (VCV001067786.8), dbSNP rs2100821984, ClinGen allele CA340747238.